The following is an entry in ClinVar:

ClinVar aggregate classification (germline): Likely benign (1 of 4 stars; one submission).

Allele frequency attached by ClinVar (database versions not stated): gnomAD 0.00001; TOPMed 0.00001.
gnomAD v4.1: 29 of 1,613,634 alleles (0.0018%); highest among the groups gnomAD compares: Non-Finnish European, 0.0024%; no homozygotes.

Submission:

CeGaT Center for Human Genetics Tuebingen
Classification: Likely benign. Last evaluated: 2022-11-01. Review status: criteria provided, single submitter. Criteria: CeGaT Center For Human Genetics Tuebingen Variant Classification Criteria Version 2. Collection method: clinical testing. Allele origin: germline. Affected: yes. Observed: 1 variant allele.
Comment: PCM1: BP4, BP7

NM_006197.4(PCM1):c.507A>C (p.Ala169=)

Gene: PCM1 (pericentriolar material 1; plus strand). Cytogenetic location: 8p22.
Variant type: single nucleotide variant.
Coding change: c.507A>C on transcript NM_006197.4 (MANE Select); coding-DNA position 507, A replaced by C.
Protein change: p.Ala169=; no amino-acid change (alanine 169 retained).
Molecular consequence: synonymous variant. On other transcripts: non-coding transcript variant (1).
Genome position (GRCh38, 1-based): chr8:17,938,904, A>C. VCF-style: chr8-17938904-A-C. GRCh37 (hg19) VCF-style: chr8-17796413-A-C.
Other names: c.507A>C, p.Ala169= (NM_001352644.2, NM_001352645.2, NM_001352646.2 and 28 more transcripts).
Identifiers: ClinVar variation 2658448 (VCV002658448.24), dbSNP rs1197555508, ClinGen allele CA459656630.